The following is an entry in ClinVar:

NM_005618.4(DLL1):c.1551G>C (p.Gln517His)

Gene: DLL1 (delta like canonical Notch ligand 1; minus strand). Cytogenetic location: 6q27.
Variant type: single nucleotide variant.
Coding change: c.1551G>C on transcript NM_005618.4 (MANE Select); coding-DNA position 1551, G replaced by C.
Protein change: p.Gln517His; replaces glutamine 517 with histidine.
Molecular consequence: missense variant.
Genome position (GRCh38, 1-based): chr6:170,283,728, C>G on the plus strand (G>C on the coding strand, the complement: DLL1 is on the minus strand). VCF-style: chr6-170283728-C-G. GRCh37 (hg19) VCF-style: chr6-170592816-C-G.
Other names: short protein forms Q517H.
Identifiers: ClinVar variation 1679791 (VCV001679791.28), dbSNP rs780160859, ClinGen allele CA4106797.

ClinVar aggregate classification (germline): Uncertain significance. Review status: criteria provided, multiple submitters, no conflicts (2 of 4 stars). 4 submissions from 4 submitters: Uncertain significance (4). Last evaluated 2024-09-24.

Conditions:
Neurodevelopmental disorder with nonspecific brain abnormalities and with or without seizures. Identifiers: MedGen C5231470, MONDO:0032877, OMIM 618709.

Allele frequency attached by ClinVar (database versions not stated): gnomAD 0.00001; gnomAD exomes 0.00001; TOPMed 0.00002; ExAC 0.00003.
gnomAD v4.1: 12 of 1,554,554 alleles (0.00077%); highest among the groups gnomAD compares: Admixed American, 0.0019%; no homozygotes.

Submissions (4):

Revvity Omics, Revvity
Classification: Uncertain significance for Neurodevelopmental disorder with nonspecific brain abnormalities and with or without seizures. Last evaluated: 2024-09-24. Review status: criteria provided, single submitter. Criteria: ACMG Guidelines, 2015. Collection method: clinical testing. Allele origin: germline.

CeGaT Center for Human Genetics Tuebingen
Classification: Uncertain significance. Last evaluated: 2023-11-01. Review status: criteria provided, single submitter. Criteria: CeGaT Center For Human Genetics Tuebingen Variant Classification Criteria Version 2. Collection method: clinical testing. Allele origin: germline. Affected: yes. Observed: 1 variant allele.

Labcorp Genetics (formerly Invitae), Labcorp
Classification: Uncertain significance. Last evaluated: 2023-01-17. Review status: criteria provided, single submitter. Criteria: Invitae Variant Classification Sherloc (09022015). Collection method: clinical testing. Allele origin: germline.
Comment: This sequence change replaces glutamine, which is neutral and polar, with histidine, which is basic and polar, at codon 517 of the DLL1 protein (p.Gln517His). This variant is present in population databases (rs780160859, gnomAD 0.002%). In summary, the available evidence is currently insufficient to determine the role of this variant in disease. Therefore, it has been classified as a Variant of Uncertain Significance. Algorithms developed to predict the effect of missense changes on protein structure and function are either unavailable or do not agree on the potential impact of this missense change (SIFT: "Deleterious"; PolyPhen-2: "Benign"; Align-GVGD: "Class C0"). ClinVar contains an entry for this variant (Variation ID: 1679791). This variant has not been reported in the literature in individuals affected with DLL1-related conditions.

New York Genome Center
Classification: Uncertain significance for Neurodevelopmental disorder with nonspecific brain abnormalities and with or without seizures. Last evaluated: 2021-05-28. Review status: criteria provided, single submitter. Criteria: NYGC Assertion Criteria 2020. Collection method: clinical testing. Allele origin: germline. Observed: 1 heterozygote. Study: CSER-NYCKidSeq.
Comment: The heterozygous c.1551G>C (p.Gln517His) missense variant identified in the DLL1 gene has not been reported in affected individuals in the literature. The variant has 0.00001314 allele frequency in the gnomAD(v3) database (2 out of 152238 heterozygous alleles, no homozygotes) suggesting it is not a common benign variant in the populations represented in that database. The variant affects an evolutionarily conserved residue and is predicted deleterious by multiple insilico prediction tools (CADD score = 25.7, REVEL score = 0.637). Based on the available evidence, the heterozygous c.1551G>C (p.Gln517His) missense variant identified in the DLL1 gene is reported as a variant of uncertain significance.